The following is an entry in ClinVar:

ClinVar aggregate classification (germline): Uncertain significance. Review status: criteria provided, multiple submitters, no conflicts (2 of 4 stars). 5 submissions from 5 submitters: Uncertain significance (3). 2 of the submissions do not count toward it. Last evaluated 2025-08-28.

Conditions:
Inborn genetic diseases. Identifiers: MedGen C0950123, MeSH D030342.
Retinal dystrophy. Also called: Inherited retinal dystrophy. Identifiers: Orphanet 71862, MedGen C0854723, MeSH D058499, MONDO:0019118, HP:0000556.

Allele frequency attached by ClinVar (database versions not stated): gnomAD 0.00001 and 0.00005; TOPMed 0.00001; gnomAD exomes 0.00006 and 0.00016; ExAC 0.00013; 1000 Genomes Project 30x 0.00031; 1000 Genomes Project 0.00040.
gnomAD v4.1: 95 of 1,613,924 alleles (0.0059%); highest among the groups gnomAD compares: South Asian, 0.087%; no homozygotes.

Submissions (5):

Ambry Genetics
Classification: Uncertain significance for Inborn genetic diseases. Last evaluated: 2025-08-28. Review status: criteria provided, single submitter. Criteria: Ambry Variant Classification Scheme 2023. Collection method: clinical testing. Allele origin: germline.

Blueprint Genetics
Classification: Uncertain significance. Last evaluated: 2024-11-06. Review status: criteria provided, single submitter. Criteria: ACMG Guidelines, 2015. Collection method: clinical testing. Allele origin: germline.

Labcorp Genetics (formerly Invitae), Labcorp
Classification: Uncertain significance. Last evaluated: 2022-10-13. Review status: criteria provided, single submitter. Criteria: Invitae Variant Classification Sherloc (09022015). Collection method: clinical testing. Allele origin: germline.
Comment: This sequence change replaces valine, which is neutral and non-polar, with methionine, which is neutral and non-polar, at codon 752 of the PDE6A protein (p.Val752Met). This variant is present in population databases (rs536549575, gnomAD 0.1%). This variant has not been reported in the literature in individuals affected with PDE6A-related conditions. ClinVar contains an entry for this variant (Variation ID: 863935). Algorithms developed to predict the effect of missense changes on protein structure and function are either unavailable or do not agree on the potential impact of this missense change (SIFT: "Tolerated"; PolyPhen-2: "Probably Damaging"; Align-GVGD: "Class C0"). In summary, the available evidence is currently insufficient to determine the role of this variant in disease. Therefore, it has been classified as a Variant of Uncertain Significance.

Institute of Human Genetics, Univ. Regensburg, Univ. Regensburg
Classification: Uncertain significance for Retinal dystrophy. Last evaluated: 2012-01-01. Review status: no assertion criteria provided. Criteria: ACMG Guidelines, 2015. Collection method: clinical testing. Allele origin: germline. Affected: yes. Not counted in ClinVar's aggregate classification.

Department of Pathology and Laboratory Medicine, Sinai Health System
Classification: Uncertain significance. Review status: no assertion criteria provided. Collection method: clinical testing. Allele origin: unknown. Affected: yes. Study: The Canadian Open Genetics Repository (COGR). Not counted in ClinVar's aggregate classification.
Comment: The PDE6A p.Val752Met variant was not identified in the literature nor was it identified in ClinVar. The variant was identified in dbSNP (ID: rs536549575) and in control databases in 39 of 251148 chromosomes at a frequency of 0.0001553 (Genome Aggregation Database March 6, 2019, v2.1.1). The variant was observed in the following populations: South Asian in 34 of 30586 chromosomes (freq: 0.001112), Other in 1 of 6132 chromosomes (freq: 0.000163) and Latino in 4 of 34564 chromosomes (freq: 0.000116), but was not observed in the African, Ashkenazi Jewish, East Asian, European (Finnish), or European (non-Finnish) populations. The p.Val752 residue is conserved in mammals and computational analyses (PolyPhen-2, SIFT, AlignGVGD, BLOSUM, MutationTaster) provide inconsistent predictions regarding the impact to the protein; this information is not very predictive of pathogenicity. The variant occurs outside of the splicing consensus sequence and three of four in silico or computational prediction software programs (SpliceSiteFinder, MaxEntScan, NNSPLICE, GeneSplicer) do not predict a greater than 10% difference in splicing; this is not very predictive of pathogenicity. In summary, based on the above information the clinical significance of this variant cannot be determined with certainty at this time. This variant is classified as a variant of uncertain significance.

NM_000440.3(PDE6A):c.2254G>A (p.Val752Met)

Gene: PDE6A (phosphodiesterase 6A; minus strand). Cytogenetic location: 5q32.
Variant type: single nucleotide variant.
Coding change: c.2254G>A on transcript NM_000440.3 (MANE Select); coding-DNA position 2254, G replaced by A.
Protein change: p.Val752Met; replaces valine 752 with methionine.
Molecular consequence: missense variant.
Genome position (GRCh38, 1-based): chr5:149,867,745, C>T on the plus strand (G>A on the coding strand, the complement: PDE6A is on the minus strand). VCF-style: chr5-149867745-C-T. GRCh37 (hg19) VCF-style: chr5-149247308-C-T.
Other names: short protein forms V752M.
Identifiers: ClinVar variation 863935 (VCV000863935.9), dbSNP rs536549575, ClinGen allele CA3504349.